The following is an entry in ClinVar:

NM_020338.4(ZMIZ1):c.425G>A (p.Ser142Asn)

Gene: ZMIZ1 (zinc finger MIZ-type containing 1; plus strand). Cytogenetic location: 10q22.3.
Variant type: single nucleotide variant.
Coding change: c.425G>A on transcript NM_020338.4 (MANE Select); coding-DNA position 425, G replaced by A.
Protein change: p.Ser142Asn; replaces serine 142 with asparagine.
Molecular consequence: missense variant.
Genome position (GRCh38, 1-based): chr10:79,277,325, G>A. VCF-style: chr10-79277325-G-A. GRCh37 (hg19) VCF-style: chr10-81037082-G-A.
Other names: short protein forms S142N.
Identifiers: ClinVar variation 2163158 (VCV002163158.31), dbSNP rs113562619, ClinGen allele CA5572298.

ClinVar aggregate classification (germline): Benign/Likely benign. Review status: criteria provided, multiple submitters, no conflicts (2 of 4 stars). 3 submissions from 3 submitters: Benign (1); Likely benign (2). Last evaluated 2025-12-11.

Allele frequency attached by ClinVar (database versions not stated): 1000 Genomes Project 30x 0.00016; TOPMed 0.00016; ExAC 0.00022; gnomAD 0.00024; gnomAD exomes 0.00025; ESP Exome Variant Server 0.00031.
gnomAD v4.1: 394 of 1,591,298 alleles (0.025%); highest among the groups gnomAD compares: Non-Finnish European, 0.032%; no homozygotes.

Submissions (5):

Labcorp Genetics (formerly Invitae), Labcorp
Classification: Benign. Last evaluated: 2025-12-11. Review status: criteria provided, single submitter. Criteria: Invitae Variant Classification Sherloc (09022015). Collection method: clinical testing. Allele origin: germline.

Laboratory of Genetics, Children's Clinical University Hospital Latvia
Classification: Likely benign. Last evaluated: 2025-02-16. Review status: criteria provided, single submitter. Criteria: ACMG Guidelines, 2015. Collection method: clinical testing. Allele origin: germline. Affected: yes.

CeGaT Center for Human Genetics Tuebingen
Classification: Likely benign. Last evaluated: 2023-08-01. Review status: criteria provided, single submitter. Criteria: CeGaT Center For Human Genetics Tuebingen Variant Classification Criteria Version 2. Collection method: clinical testing. Allele origin: germline. Affected: yes. Observed: 2 variant alleles.
Comment: ZMIZ1: BS2

Dr. Peter K. Rogan Lab, Western University
No classification provided (evidence only). Condition: Familial cancer of breast. Review status: no classification provided. Collection method: in vitro. Allele origin: not applicable. Functional consequence: skipped exon. Not counted in ClinVar's aggregate classification.

Dr. Peter K. Rogan Lab, Western University
No classification provided (evidence only). Condition: Sarcoma. Review status: no classification provided. Collection method: in vitro. Allele origin: not applicable. Functional consequence: retained intron. Not counted in ClinVar's aggregate classification.